The following is an entry in ClinVar:

ClinVar aggregate classification (germline): Conflicting classifications of pathogenicity. Review status: criteria provided, conflicting classifications (1 of 4 stars). 7 submissions from 7 submitters: Uncertain significance (6); Likely benign (1). Last evaluated 2026-04-09.

Conditions:
APPL1-related disorder. Also called: APPL1-related condition.
Maturity-onset diabetes of the young type 14. Also called: MODY 14. Identifiers: Orphanet 552, MedGen C4225299, MONDO:0014674, OMIM 616511.

Submissions (7):

PreventionGenetics, part of Exact Sciences
Classification: Uncertain significance for APPL1-related condition. Last evaluated: 2026-04-09. Review status: criteria provided, single submitter. Criteria: ACMG Guidelines, 2015. Collection method: clinical testing. Allele origin: germline.
Comment: The APPL1 c.1930_1933delAGAG variant is predicted to result in premature protein termination (p.Arg644*). To our knowledge, this variant has not been reported in the literature. This variant is reported in 0.064% of alleles in individuals of European (Non-Finnish) descent in gnomAD. The relatively high number of heterozygotes of this variant in the general population (105 out of ~268,000 alleles) lessens its possibility of being pathogenic for an autosomal dominant disease. This variant could be benign. At this time, the clinical significance of this variant is uncertain due to the absence of conclusive functional and genetic evidence.

Labcorp Genetics (formerly Invitae), Labcorp
Classification: Uncertain significance. Last evaluated: 2026-01-06. Review status: criteria provided, single submitter. Criteria: Invitae Variant Classification Sherloc (09022015). Collection method: clinical testing. Allele origin: germline.
Comment: This sequence change creates a premature translational stop signal (p.Arg644*) in the APPL1 gene. It is expected to result in an absent or disrupted protein product. However, the current clinical and genetic evidence is not sufficient to establish whether loss-of-function variants in APPL1 cause disease. This variant is present in population databases (rs766602418, gnomAD 0.06%), and has an allele count higher than expected for a pathogenic variant. This variant has not been reported in the literature in individuals affected with APPL1-related conditions. ClinVar contains an entry for this variant (Variation ID: 1315697). In summary, the available evidence is currently insufficient to determine the role of this variant in disease. Therefore, it has been classified as a Variant of Uncertain Significance.

Dasa
Classification: Uncertain significance. Last evaluated: 2025-11-04. Review status: criteria provided, single submitter. Criteria: DASA Assertion Criteria. Collection method: clinical testing. Allele origin: germline.
Comment: NM_012096.3(APPL1):c.1930_1933del (p.Arg644*) is a frameshift variant in APPL1 predicted to alter the reading frame and introduce a premature termination codon and is predicted to result in an absent or altered protein product. This variant is rare in population databases. The currently available literature and clinical evidence are not sufficient to establish a definitive association between this variant and the reported condition. Therefore, this variant is classified as a variant of uncertain significance.

CeGaT Center for Human Genetics Tuebingen
Classification: Uncertain significance. Last evaluated: 2025-05-01. Review status: criteria provided, single submitter. Criteria: CeGaT Center For Human Genetics Tuebingen Variant Classification Criteria Version 2. Collection method: clinical testing. Allele origin: germline. Affected: yes. Observed: 1 variant allele.

ARUP Laboratories, Molecular Genetics and Genomics, ARUP Laboratories
Classification: Uncertain significance for Maturity-onset diabetes of the young type 14. Last evaluated: 2025-04-03. Review status: criteria provided, single submitter. Criteria: ARUP Molecular Germline Variant Investigation Process 2024. Collection method: clinical testing. Allele origin: germline.
Comment: The APPL1 c.1930_1933del; p.Arg644Ter variant (rs757479184), to our knowledge, is not reported in the medical literature but is reported in ClinVar (Variation ID: 1315697). This variant is found in the non-Finnish European population with an allele frequency of 0.06% (77/120958 alleles) in the Genome Aggregation Database (v2.1.1). This variant deletes four nucleotides and results in a premature termination codon in the penultimate exon of the APPL1 gene. It is uncertain whether this premature termination codon would lead to nonsense-mediated decay, but it is expected to create a truncated APPL1 protein. Due to conflicting information, the clinical significance of the c.1930_1933del variant is uncertain at this time.

GeneDx
Classification: Likely benign. Last evaluated: 2020-01-30. Review status: criteria provided, single submitter. Criteria: GeneDx Variant Classification Process June 2021. Collection method: clinical testing. Allele origin: germline. Affected: yes.
Comment: Nonsense variant predicted to result in protein truncation in a gene for which loss-of-function is not a known mechanism of disease; Has not been previously published as pathogenic or benign to our knowledge

Genetic Services Laboratory, University of Chicago
Classification: Uncertain significance. Last evaluated: 2017-11-14. Review status: criteria provided, single submitter. Criteria: ACMG Guidelines, 2015. Collection method: clinical testing. Allele origin: germline. Affected: no.

NM_012096.3(APPL1):c.1930_1933del (p.Glu643_Arg644insTer)

Genes: APPL1 (adaptor protein, phosphotyrosine interacting with PH domain and leucine zipper 1; plus strand), ASB14 (ankyrin repeat and SOCS box containing 14; minus strand). Cytogenetic location: 3p14.3.
Variant type: Microsatellite.
Coding change: c.1930_1933del on transcript NM_012096.3 (MANE Select); coding-DNA positions 1930 to 1933, 4 bases deleted (AGAG; older notation c.1930_1933delAGAG).
Protein change: p.Glu643_Arg644insTer.
Molecular consequence: nonsense. On other transcripts: 3 prime UTR variant (2).
Genome position (GRCh38, 1-based): chr3:57,268,434-57,268,437, AGAG deleted; deleting any 4 consecutive bases within chr3:57,268,430-57,268,437 gives the same sequence; the c. name uses the placement nearest the transcript's 3' end. VCF-style (leftmost placement, unchanged base first): chr3-57268429-TAGAG-T. GRCh37 (hg19) VCF-style: chr3-57302457-TAGAG-T.
Other names: c.1930_1933delAGAG (NM_012096.2); c.*1204CT[2] (NM_001142733.3, NM_130387.5).
Identifiers: ClinVar variation 1315697 (VCV001315697.23), dbSNP rs757479184, ClinGen allele CA2463985.